The following is an entry in ClinVar:

ClinVar aggregate classification (germline): Uncertain significance. Review status: criteria provided, multiple submitters, no conflicts (2 of 4 stars). 2 submissions from 2 submitters: Uncertain significance (2). Last evaluated 2025-03-05.

Conditions:
Dyskeratosis congenita, autosomal recessive 5 (DKCB5). Identifiers: MedGen C3554656, MONDO:0014076, OMIM 615190.
Pulmonary fibrosis and/or bone marrow failure, Telomere-related, 3. Also called: PULMONARY FIBROSIS AND/OR BONE MARROW FAILURE SYNDROME, TELOMERE-RELATED, 3. Identifiers: Orphanet 2032, MedGen C4225346, MONDO:0014613, OMIM 616373.
Inborn genetic diseases. Identifiers: MedGen C0950123, MeSH D030342.

Allele frequency attached by ClinVar (database versions not stated): gnomAD exomes below 0.00001; ExAC 0.00001.
gnomAD v4.1: 1 of 1,612,634 alleles (0.000062%); highest among the groups gnomAD compares: Non-Finnish European, 0.000085%; no homozygotes.

Submissions (2):

Ambry Genetics
Classification: Uncertain significance for Inborn genetic diseases. Last evaluated: 2025-03-05. Review status: criteria provided, single submitter. Criteria: Ambry Variant Classification Scheme 2023. Collection method: clinical testing. Allele origin: germline.
Comment: The p.D921G variant (also known as c.2762A>G), located in coding exon 28 of the RTEL1 gene, results from an A to G substitution at nucleotide position 2762. The aspartic acid at codon 921 is replaced by glycine, an amino acid with similar properties. This amino acid position is conserved. In addition, this alteration is predicted to be tolerated by in silico analysis. Based on the available evidence, the clinical significance of this variant remains unclear.

Labcorp Genetics (formerly Invitae), Labcorp
Classification: Uncertain significance for Dyskeratosis congenita, autosomal recessive 5; Pulmonary fibrosis and/or bone marrow failure, Telomere-related, 3. Last evaluated: 2021-12-21. Review status: criteria provided, single submitter. Criteria: Invitae Variant Classification Sherloc (09022015). Collection method: clinical testing. Allele origin: germline.
Comment: This sequence change replaces aspartic acid, which is acidic and polar, with glycine, which is neutral and non-polar, at codon 921 of the RTEL1 protein (p.Asp921Gly). This variant is present in population databases (rs747181810, gnomAD 0.0009%). This variant has not been reported in the literature in individuals affected with RTEL1-related conditions. Algorithms developed to predict the effect of missense changes on protein structure and function (SIFT, PolyPhen-2, Align-GVGD) all suggest that this variant is likely to be tolerated. In summary, the available evidence is currently insufficient to determine the role of this variant in disease. Therefore, it has been classified as a Variant of Uncertain Significance.

NM_001283009.2(RTEL1):c.2762A>G (p.Asp921Gly)

Genes: RTEL1 (regulator of telomere elongation helicase 1; plus strand), RTEL1-TNFRSF6B (RTEL1-TNFRSF6B readthrough (NMD candidate); plus strand). Cytogenetic location: 20q13.33.
Variant type: single nucleotide variant.
Coding change: c.2762A>G on transcript NM_001283009.2 (MANE Select); coding-DNA position 2762, A replaced by G.
Protein change: p.Asp921Gly; replaces aspartic acid 921 with glycine.
Molecular consequence: missense variant. On other transcripts: non-coding transcript variant (1).
Genome position (GRCh38, 1-based): chr20:63,692,914, A>G. VCF-style: chr20-63692914-A-G. GRCh37 (hg19) VCF-style: chr20-62324267-A-G.
Other names: c.2093A>G, p.Asp698Gly (NM_001283010.1); c.2762A>G, p.Asp921Gly (NM_016434.4); c.2834A>G, p.Asp945Gly (NM_032957.5); short protein forms D921G, D945G, D698G.
Identifiers: ClinVar variation 2173381 (VCV002173381.2), dbSNP rs747181810, ClinGen allele CA9965523.
Genomic context (GRCh38, chr20:63,692,914, plus strand): 5'-TGGCCGTGAAGCAGGAGTTGAGCCAAGCCAACTTTGCCACCTTCACCCAGGCCCTGCAGG[A>G]CTACAAGGGTTCCGATGACTTCGCCGCCCTGGCCGCCTGTCTCGGCCCCCTCTTTGCTGA-3'
Protein context (NP_001269938.1, residues 911-931): NFATFTQALQ[Asp921Gly]YKGSDDFAAL